The following is an entry in ClinVar:

ClinVar aggregate classification (germline): Uncertain significance (1 of 4 stars; one submission).

Conditions:
Combined deficiency of sialidase AND beta galactosidase (GSL). Also called: GOLDBERG SYNDROME; NEURAMINIDASE DEFICIENCY WITH BETA-GALACTOSIDASE DEFICIENCY; NEURAMINIDASE/BETA-GALACTOSIDASE EXPRESSION; PPCA DEFICIENCY; PROTECTIVE PROTEIN/CATHEPSIN A DEFICIENCY; Galactosialidosis. Identifiers: Orphanet 351, MedGen C0268233, MONDO:0009737, OMIM 256540.

Submission:

Labcorp Genetics (formerly Invitae), Labcorp
Classification: Uncertain significance for Combined deficiency of sialidase AND beta galactosidase. Last evaluated: 2025-02-24. Review status: criteria provided, single submitter. Criteria: Invitae Variant Classification Sherloc (09022015). Collection method: clinical testing. Allele origin: germline.
Comment: This sequence change replaces glutamic acid with valine at codon 145 of the CTSA protein (p.Glu145Val). The glutamic acid residue is highly conserved and there is a moderate physicochemical difference between glutamic acid and valine. This variant is not present in population databases (gnomAD no frequency). This variant has not been reported in the literature in individuals affected with CTSA-related conditions. ClinVar contains an entry for this variant (Variation ID: 1462956). Invitae Evidence Modeling of protein sequence and biophysical properties (such as structural, functional, and spatial information, amino acid conservation, physicochemical variation, residue mobility, and thermodynamic stability) indicates that this missense variant is expected to disrupt CTSA protein function with a positive predictive value of 80%. In summary, the available evidence is currently insufficient to determine the role of this variant in disease. Therefore, it has been classified as a Variant of Uncertain Significance.

NM_000308.4(CTSA):c.380A>T (p.Glu127Val)

Gene: CTSA (cathepsin A; plus strand). Cytogenetic location: 20q13.12.
Variant type: single nucleotide variant.
Coding change: c.380A>T on transcript NM_000308.4 (MANE Select); coding-DNA position 380, A replaced by T.
Protein change: p.Glu127Val; replaces glutamic acid 127 with valine.
Molecular consequence: missense variant. On other transcripts: non-coding transcript variant (1).
Genome position (GRCh38, 1-based): chr20:45,892,420, A>T. VCF-style: chr20-45892420-A-T. GRCh37 (hg19) VCF-style: chr20-44521059-A-T.
Other names: c.380A>T, p.Glu127Val (NM_001127695.3); c.329A>T, p.Glu110Val (NM_001167594.3); short protein forms E127V, E110V.
Identifiers: ClinVar variation 1462956 (VCV001462956.6), dbSNP rs2145815136, ClinGen allele CA409248899.